The following is an entry in ClinVar:

NM_000165.5(GJA1):c.717G>A (p.Arg239=)

Gene: GJA1 (gap junction protein alpha 1; plus strand). Cytogenetic location: 6q22.31.
Variant type: single nucleotide variant.
Coding change: c.717G>A on transcript NM_000165.5 (MANE Select); coding-DNA position 717, G replaced by A.
Protein change: p.Arg239=; no amino-acid change (arginine 239 retained).
Molecular consequence: synonymous variant.
Genome position (GRCh38, 1-based): chr6:121,447,564, G>A. VCF-style: chr6-121447564-G-A. GRCh37 (hg19) VCF-style: chr6-121768710-G-A.
Other names: p.R239R:CGG>CGA.
Identifiers: ClinVar variation 137482 (VCV000137482.24), dbSNP rs57946868, ClinGen allele CA172203.

ClinVar aggregate classification (germline): Benign/Likely benign. Review status: criteria provided, multiple submitters, no conflicts (2 of 4 stars). 11 submissions from 9 submitters: Benign (5); Likely benign (3). 3 of the submissions do not count toward it. Last evaluated 2026-02-02.

Conditions:
Oculodentodigital dysplasia, autosomal recessive. Also called: OCULODENTOOSSEOUS DYSPLASIA, AUTOSOMAL RECESSIVE; ODDD, AUTOSOMAL RECESSIVE; ODOD, AUTOSOMAL RECESSIVE. Identifiers: Orphanet 2710, MedGen C2749477, MONDO:0009768, OMIM 257850.
Oculodentodigital dysplasia (ODDD). Also called: Oculodentodigital syndrome; ODD SYNDROME. Identifiers: Orphanet 2710, MedGen C0812437, MONDO:0008111, OMIM 164200.
Syndactyly type 3 (SDTY3). Also called: RING AND LITTLE FINGER SYNDACTYLY; SYNDACTYLY OF FINGERS IV AND V. Identifiers: Orphanet 93404, MedGen C1861366, MONDO:0008514, OMIM 186100.
Hypoplastic left heart syndrome 1 (HLHS1). Identifiers: Orphanet 2248, MedGen C4551854, MONDO:0009433, OMIM 241550.

Allele frequency attached by ClinVar (database versions not stated): TOPMed 0.03279; 1000 Genomes Project 0.03435; 1000 Genomes Project 30x 0.03435; ESP Exome Variant Server 0.03491.
gnomAD v4.1: 26,781 of 1,613,866 alleles (1.7%); highest among the groups gnomAD compares: African/African-American, 8%; 431 homozygotes.

Submissions (11):

Labcorp Genetics (formerly Invitae), Labcorp
Classification: Benign for Oculodentodigital dysplasia, autosomal recessive. Last evaluated: 2026-02-02. Review status: criteria provided, single submitter. Criteria: Invitae Variant Classification Sherloc (09022015). Collection method: clinical testing. Allele origin: germline.

Illumina Laboratory Services, Illumina
Classification: Likely benign for Hypoplastic left heart syndrome 1. Last evaluated: 2018-01-12. Review status: criteria provided, single submitter. Criteria: ICSL Variant Classification Criteria 13 December 2019. Collection method: clinical testing. Allele origin: germline.
Comment: This variant was observed in the ICSL laboratory as part of a predisposition screen in an ostensibly healthy population. It had not been previously curated by ICSL or reported in the Human Gene Mutation Database (HGMD: prior to June 1st, 2018), and was therefore a candidate for classification through an automated scoring system. Utilizing variant allele frequency, disease prevalence and penetrance estimates, and inheritance mode, an automated score was calculated to assess if this variant is too frequent to cause the disease. Based on the score and internal cut-off values, a variant classified as likely benign is not then subjected to further curation. The score for this variant resulted in a classification of likely benign for this disease.

Illumina Laboratory Services, Illumina
Classification: Benign for Syndactyly type 3. Last evaluated: 2018-01-12. Review status: criteria provided, single submitter. Criteria: ICSL Variant Classification Criteria 13 December 2019. Collection method: clinical testing. Allele origin: germline.
Comment: This variant was observed in the ICSL laboratory as part of a predisposition screen in an ostensibly healthy population. It had not been previously curated by ICSL or reported in the Human Gene Mutation Database (HGMD: prior to June 1st, 2018), and was therefore a candidate for classification through an automated scoring system. Utilizing variant allele frequency, disease prevalence and penetrance estimates, and inheritance mode, an automated score was calculated to assess if this variant is too frequent to cause the disease. Based on the score and internal cut-off values, a variant classified as benign is not then subjected to further curation. The score for this variant resulted in a classification of benign for this disease.

Illumina Laboratory Services, Illumina
Classification: Benign for Oculodentodigital dysplasia. Last evaluated: 2018-01-12. Review status: criteria provided, single submitter. Criteria: ICSL Variant Classification Criteria 13 December 2019. Collection method: clinical testing. Allele origin: germline.
Comment: the same text as in the submission from Illumina Laboratory Services, Illumina above.

GeneDx
Classification: Benign. Last evaluated: 2014-05-11. Review status: criteria provided, single submitter. Criteria: GeneDx Variant Classification (06012015). Collection method: clinical testing. Allele origin: germline. Affected: yes.
Comment: This variant is considered likely benign or benign based on one or more of the following criteria: it is a conservative change, it occurs at a poorly conserved position in the protein, it is predicted to be benign by multiple in silico algorithms, and/or has population frequency not consistent with disease.

Genetic Services Laboratory, University of Chicago
Classification: Likely benign. Last evaluated: 2014-05-07. Review status: criteria provided, single submitter. Criteria: ACMG Guidelines, 2015. Collection method: clinical testing. Allele origin: germline. Inheritance: Autosomal dominant inheritance.
Comment: Likely benign based on allele frequency in 1000 Genomes Project or ESP global frequency and its presence in a patient with a rare or unrelated disease phenotype. NOT Sanger confirmed

Breakthrough Genomics
Classification: Likely benign. Review status: criteria provided, single submitter. Criteria: ACMG Guidelines, 2015. Collection method: not provided. Allele origin: germline. Inheritance: Autosomal recessive inheritance. Affected: yes.

PreventionGenetics, part of Exact Sciences
Classification: Benign. Review status: criteria provided, single submitter. Criteria: ACMG Guidelines, 2015. Collection method: clinical testing. Allele origin: germline.

Clinical Genetics, Academic Medical Center
Classification: Benign. Review status: no assertion criteria provided. Collection method: clinical testing. Allele origin: germline. Affected: yes. Study: VKGL Data-share Consensus. Not counted in ClinVar's aggregate classification.

Genome Diagnostics Laboratory, University Medical Center Utrecht
Classification: Benign. Review status: no assertion criteria provided. Collection method: clinical testing. Allele origin: germline. Affected: yes. Study: VKGL Data-share Consensus. Not counted in ClinVar's aggregate classification.

Joint Genome Diagnostic Labs from Nijmegen and Maastricht, Radboudumc and MUMC+
Classification: Benign. Review status: no assertion criteria provided. Collection method: clinical testing. Allele origin: germline. Affected: yes. Study: VKGL Data-share Consensus. Not counted in ClinVar's aggregate classification.